The following is an entry in ClinVar:

ClinVar aggregate classification (germline): Uncertain significance (1 of 4 stars; one submission).

Submission:

Dasa
Classification: Uncertain significance. Last evaluated: 2025-08-22. Review status: criteria provided, single submitter. Criteria: DASA Assertion Criteria. Collection method: clinical testing. Allele origin: germline.
Comment: NM_001015048.3(BAG5):c.565del (p.Val189*) is a frameshift variant in BAG5 predicted to alter the reading frame and introduce a premature termination codon and is predicted to result in an absent or altered protein product. This variant is rare in population databases. The currently available literature and clinical evidence are not sufficient to establish a definitive association between this variant and the reported condition. Therefore, this variant is classified as a variant of uncertain significance.

NM_001015048.3(BAG5):c.565del (p.Phe188_Val189insTer)

Gene: BAG5 (BAG cochaperone 5; minus strand). Cytogenetic location: 14q32.33.
Variant type: Deletion.
Coding change: c.565del on transcript NM_001015048.3 (MANE Select); coding-DNA position 565, one base deleted (G; older notation c.565delG).
Protein change: p.Phe188_Val189insTer.
Molecular consequence: nonsense.
Genome position (GRCh38, 1-based): chr14:103,560,600, C deleted on the plus strand (G on the coding strand, the reverse complement: BAG5 is on the minus strand). VCF-style (leftmost placement, unchanged base first): chr14-103560599-AC-A. GRCh37 (hg19) VCF-style: chr14-104026936-AC-A.
Other names: c.565del, p.Phe188_Val189insTer (NM_001015049.5, NM_004873.4).
Identifiers: ClinVar variation 4883912 (VCV004883912.2).